The following is an entry in ClinVar:

ClinVar aggregate classification (germline): Uncertain significance (1 of 4 stars; one submission).

Conditions:
Charcot-Marie-Tooth disease type 2R. Also called: Charcot-Marie-Tooth disease, axonal, type 2R; CHARCOT-MARIE-TOOTH DISEASE, AXONAL, AUTOSOMAL RECESSIVE, TYPE 2R; CHARCOT-MARIE-TOOTH NEUROPATHY, TYPE 2R. Identifiers: Orphanet 397968, MedGen C3809655, MONDO:0014208, OMIM 615490.

Allele frequency attached by ClinVar (database versions not stated): TOPMed below 0.00001.
gnomAD v4.1: 4 of 1,614,048 alleles (0.00025%); highest among the groups gnomAD compares: Non-Finnish European, 0.00034%; no homozygotes.

Submission:

Labcorp Genetics (formerly Invitae), Labcorp
Classification: Uncertain significance for Charcot-Marie-Tooth disease type 2R. Last evaluated: 2019-06-18. Review status: criteria provided, single submitter. Criteria: Invitae Variant Classification Sherloc (09022015). Collection method: clinical testing. Allele origin: germline.
Comment: This variant is not present in population databases (ExAC no frequency). This sequence change replaces arginine with glutamine at codon 413 of the TRIM2 protein (p.Arg413Gln). The arginine residue is moderately conserved and there is a small physicochemical difference between arginine and glutamine. This variant has not been reported in the literature in individuals with TRIM2-related conditions. In summary, the available evidence is currently insufficient to determine the role of this variant in disease. Therefore, it has been classified as a Variant of Uncertain Significance. Algorithms developed to predict the effect of missense changes on protein structure and function are either unavailable or do not agree on the potential impact of this missense change (SIFT: "Deleterious"; PolyPhen-2: "Benign"; Align-GVGD: "Class C0").

NM_015271.5(TRIM2):c.1319G>A (p.Arg440Gln)

Gene: TRIM2 (tripartite motif containing 2; plus strand). Cytogenetic location: 4q31.3.
Variant type: single nucleotide variant.
Coding change: c.1319G>A on transcript NM_015271.5 (MANE Select); coding-DNA position 1319, G replaced by A.
Protein change: p.Arg440Gln; replaces arginine 440 with glutamine.
Molecular consequence: missense variant.
Genome position (GRCh38, 1-based): chr4:153,295,845, G>A. VCF-style: chr4-153295845-G-A. GRCh37 (hg19) VCF-style: chr4-154216997-G-A.
Other names: c.1238G>A, p.Arg413Gln (NM_001130067.2, NM_001351056.2, NM_001375512.1 and 5 more transcripts); c.1292G>A, p.Arg431Gln (NM_001351054.2); c.1289G>A, p.Arg430Gln (NM_001351055.2); c.863G>A, p.Arg288Gln (NM_001351057.2); c.1412G>A, p.Arg471Gln (NM_001375488.1); c.1409G>A, p.Arg470Gln (NM_001375489.1); c.1262G>A, p.Arg421Gln (NM_001375490.1); c.1259G>A, p.Arg420Gln (NM_001375491.1); and 3 more; short protein forms R288Q, R329Q, R421Q, R327Q, R413Q, R471Q, R420Q, R431Q.
Identifiers: ClinVar variation 952772 (VCV000952772.9), dbSNP rs1762656339, ClinGen allele CA358473460.